The following is an entry in ClinVar:

ClinVar aggregate classification (germline): Uncertain significance (1 of 4 stars; one submission).

gnomAD v4.1: 12 of 1,613,788 alleles (0.00074%); highest among the groups gnomAD compares: Non-Finnish European, 0.001%; no homozygotes.

Submission:

Labcorp Genetics (formerly Invitae), Labcorp
Classification: Uncertain significance. Last evaluated: 2022-05-28. Review status: criteria provided, single submitter. Criteria: Invitae Variant Classification Sherloc (09022015). Collection method: clinical testing. Allele origin: germline.
Comment: This sequence change replaces serine, which is neutral and polar, with tryptophan, which is neutral and slightly polar, at codon 362 of the FAT4 protein (p.Ser362Trp). This variant is present in population databases (no rsID available, gnomAD 0.0009%). This variant has not been reported in the literature in individuals affected with FAT4-related conditions. Advanced modeling of protein sequence and biophysical properties (such as structural, functional, and spatial information, amino acid conservation, physicochemical variation, residue mobility, and thermodynamic stability) performed at Invitae indicates that this missense variant is not expected to disrupt FAT4 protein function. In summary, the available evidence is currently insufficient to determine the role of this variant in disease. Therefore, it has been classified as a Variant of Uncertain Significance.

NM_001291303.3(FAT4):c.1085C>G (p.Ser362Trp)

Gene: FAT4 (FAT atypical cadherin 4; plus strand). Cytogenetic location: 4q28.1.
Variant type: single nucleotide variant.
Coding change: c.1085C>G on transcript NM_001291303.3 (MANE Select); coding-DNA position 1085, C replaced by G.
Protein change: p.Ser362Trp; replaces serine 362 with tryptophan.
Molecular consequence: missense variant.
Genome position (GRCh38, 1-based): chr4:125,317,496, C>G. VCF-style: chr4-125317496-C-G. GRCh37 (hg19) VCF-style: chr4-126238651-C-G.
Other names: c.1085C>G, p.Ser362Trp (NM_001291285.3, NM_024582.6); short protein forms S362W.
Identifiers: ClinVar variation 1903911 (VCV001903911.2), dbSNP rs1466892561, ClinGen allele CA358117168.
Genomic context (GRCh38, chr4:125,317,496, plus strand): 5'-AGCTGCTGGACGTGAATGACAATGACCCGGTAGTGAAGTTCCGCTACTTCCCGGCCACCT[C>G]GCGCTACGCCTCGGTAGATGAGAATGCTCAAGTGGGCACCGTGGTGGCTCTGCTCACCGT-3'
Protein context (NP_001278232.1, residues 352-372): VVKFRYFPAT[Ser362Trp]RYASVDENAQ